The following is an entry in ClinVar:

ClinVar aggregate classification (germline): Conflicting classifications of pathogenicity. Review status: criteria provided, conflicting classifications (1 of 4 stars). 6 submissions from 6 submitters: Uncertain significance (3); Likely benign (3). Last evaluated 2026-05-19.

Conditions:
TTN-related disorder. Also called: TTN-related condition; TTN-related disease; TTN-related disorders.
Cardiovascular phenotype. Identifiers: MedGen CN230736.
Dilated cardiomyopathy 1G (CMD1G). Identifiers: Orphanet 154, MedGen C1858763, MONDO:0011400, OMIM 604145.
Autosomal recessive limb-girdle muscular dystrophy type 2J (LGMDR10). Also called: Limb-girdle muscular dystrophy, type 2J; MUSCULAR DYSTROPHY, LIMB-GIRDLE, AUTOSOMAL RECESSIVE 10. Identifiers: Orphanet 140922, MedGen C1837342, MONDO:0012127, OMIM 608807.
Early-onset myopathy with fatal cardiomyopathy (CMYO5). Also called: Salih Myopathy; CONGENITAL MYOPATHY 5 WITH CARDIOMYOPATHY. Identifiers: Orphanet 289377, MedGen C2673677, MONDO:0012714, OMIM 611705. Disease mechanism: loss of function.
Tibial muscular dystrophy (TMD). Also called: Tibial muscular dystrophy, tardive; UDD MYOPATHY; Udd Distal Myopathy – Tibial Muscular Dystrophy. Identifiers: Orphanet 609, MedGen C1838244, MONDO:0010870, OMIM 600334.
Hypertrophic cardiomyopathy 9. Also called: Familial hypertrophic cardiomyopathy 9. Identifiers: MedGen C1861065, MONDO:0013412, OMIM 613765.
Myopathy, myofibrillar, 9, with early respiratory failure (MFM9). Also called: EDSTROM MYOPATHY; Myopathy, distal, with early respiratory failure, autosomal dominant; Hereditary myopathy with early respiratory failure; MYOPATHY, PROXIMAL, WITH EARLY RESPIRATORY MUSCLE INVOLVEMENT. Identifiers: Orphanet 178464, Orphanet 34521, MedGen C1863599, MONDO:0011362, OMIM 603689.

Allele frequency attached by ClinVar (database versions not stated): gnomAD exomes 0.00001 and 0.00003; ExAC 0.00004; gnomAD 0.00013 and 0.00014; 1000 Genomes Project 0.00020; TOPMed 0.00027; 1000 Genomes Project 30x 0.00031.

Submissions (6):

PreventionGenetics, part of Exact Sciences
Classification: Likely benign for TTN-related condition. Last evaluated: 2026-05-19. Review status: criteria provided, single submitter. Criteria: ACMG Guidelines, 2015. Collection method: clinical testing. Allele origin: germline.
Comment: This variant is classified as likely benign based on ACMG/AMP sequence variant interpretation guidelines (Richards et al. 2015 PMID: 25741868, with internal and published modifications).

Ambry Genetics
Classification: Likely benign for Cardiovascular phenotype. Last evaluated: 2021-09-10. Review status: criteria provided, single submitter. Criteria: Ambry Variant Classification Scheme 2023. Collection method: clinical testing. Allele origin: germline.

GeneDx
Classification: Likely benign. Last evaluated: 2020-04-23. Review status: criteria provided, single submitter. Criteria: GeneDx Variant Classification Process June 2021. Collection method: clinical testing. Allele origin: germline. Affected: yes.

Fulgent Genetics
Classification: Uncertain significance for Tibial muscular dystrophy; Myopathy, myofibrillar, 9, with early respiratory failure; Dilated cardiomyopathy 1G; Autosomal recessive limb-girdle muscular dystrophy type 2J; Early-onset myopathy with fatal cardiomyopathy; Hypertrophic cardiomyopathy 9. Last evaluated: 2018-10-31. Review status: criteria provided, single submitter. Criteria: ACMG Guidelines, 2015. Collection method: clinical testing. Allele origin: unknown.

Labcorp Genetics (formerly Invitae), Labcorp
Classification: Uncertain significance for Dilated cardiomyopathy 1G; Autosomal recessive limb-girdle muscular dystrophy type 2J. Last evaluated: 2018-03-06. Review status: criteria provided, single submitter. Criteria: Invitae Variant Classification Sherloc (09022015). Collection method: clinical testing. Allele origin: germline.
Comment: This sequence change affects codon 30373 of the TTN mRNA. It is a 'silent' change, meaning that it does not change the encoded amino acid sequence of the TTN protein. This variant is present in population databases (rs192167542, ExAC 0.03%). This variant has not been reported in the literature in individuals with TTN-related disease. Algorithms developed to predict the effect of sequence changes on RNA splicing suggest that this variant may create or strengthen a splice site, but this prediction has not been confirmed by published transcriptional studies. In summary, the available evidence is currently insufficient to determine the role of this variant in disease. Therefore, it has been classified as a Variant of Uncertain Significance.

Eurofins Ntd Llc (ga)
Classification: Uncertain significance. Last evaluated: 2016-12-25. Review status: criteria provided, single submitter. Criteria: EGL Classification Definitions 2015. Collection method: clinical testing. Allele origin: germline. Observed: 3 variant alleles, 3 heterozygotes.

NM_001267550.2(TTN):c.91119A>G (p.Lys30373=)

Genes: TTN (titin; minus strand), TTN-AS1 (TTN antisense RNA 1; plus strand). Cytogenetic location: 2q31.2.
Variant type: single nucleotide variant.
Coding change: c.91119A>G on transcript NM_001267550.2 (MANE Select); coding-DNA position 91119, A replaced by G.
Protein change: p.Lys30373=; no amino-acid change (lysine 30373 retained).
Molecular consequence: synonymous variant.
Genome position (GRCh38, 1-based): chr2:178,551,781, T>C on the plus strand (A>G on the coding strand, the complement: TTN is on the minus strand). VCF-style: chr2-178551781-T-C. GRCh37 (hg19) VCF-style: chr2-179416508-T-C.
Other names: c.86196A>G, p.Lys28732= (NM_001256850.1); c.63924A>G, p.Lys21308= (NM_003319.4); c.83415A>G, p.Lys27805= (NM_133378.4); c.64299A>G, p.Lys21433= (NM_133432.3); c.64500A>G, p.Lys21500= (NM_133437.4).
Identifiers: ClinVar variation 498997 (VCV000498997.14), dbSNP rs192167542, ClinGen allele CA1987689.